The following is an entry in ClinVar:

NM_025207.5(FLAD1):c.320C>T (p.Pro107Leu)

Gene: FLAD1 (flavin adenine dinucleotide synthetase 1; plus strand). Cytogenetic location: 1q21.3.
Variant type: single nucleotide variant.
Coding change: c.320C>T on transcript NM_025207.5 (MANE Select); coding-DNA position 320, C replaced by T.
Protein change: p.Pro107Leu; replaces proline 107 with leucine.
Molecular consequence: missense variant. On other transcripts: 5 prime UTR variant (1).
Genome position (GRCh38, 1-based): chr1:154,984,014, C>T. VCF-style: chr1-154984014-C-T. GRCh37 (hg19) VCF-style: chr1-154956490-C-T.
Other names: c.29C>T, p.Pro10Leu (NM_001184891.2, NM_201398.3); c.-617C>T (NM_001184892.2); c.320C>T (NM_025207.4); short protein forms P107L, P10L.
Identifiers: ClinVar variation 2168561 (VCV002168561.3), dbSNP rs773925274, ClinGen allele CA1134277.

ClinVar aggregate classification (germline): Uncertain significance. Review status: criteria provided, multiple submitters, no conflicts (2 of 4 stars). 2 submissions from 2 submitters: Uncertain significance (2). Last evaluated 2025-01-28.

Conditions:
Inborn genetic diseases. Identifiers: MedGen C0950123, MeSH D030342.

Allele frequency attached by ClinVar (database versions not stated): TOPMed 0.00002; gnomAD 0.00004; gnomAD exomes 0.00004; ExAC 0.00007.
gnomAD v4.1: 64 of 1,513,130 alleles (0.0042%); highest among the groups gnomAD compares: Middle Eastern, 0.13%; no homozygotes.

Submissions (2):

Ambry Genetics
Classification: Uncertain significance for Inborn genetic diseases. Last evaluated: 2025-01-28. Review status: criteria provided, single submitter. Criteria: Ambry Variant Classification Scheme 2023. Collection method: clinical testing. Allele origin: germline.

Labcorp Genetics (formerly Invitae), Labcorp
Classification: Uncertain significance. Last evaluated: 2024-05-30. Review status: criteria provided, single submitter. Criteria: Invitae Variant Classification Sherloc (09022015). Collection method: clinical testing. Allele origin: germline.
Comment: This sequence change replaces proline, which is neutral and non-polar, with leucine, which is neutral and non-polar, at codon 107 of the FLAD1 protein (p.Pro107Leu). This variant is present in population databases (rs773925274, gnomAD 0.01%). This variant has not been reported in the literature in individuals affected with FLAD1-related conditions. ClinVar contains an entry for this variant (Variation ID: 2168561). An algorithm developed to predict the effect of missense changes on protein structure and function (PolyPhen-2) suggests that this variant¬†is likely to be tolerated. In summary, the available evidence is currently insufficient to determine the role of this variant in disease. Therefore, it has been classified as a Variant of Uncertain Significance.